The following is an entry in ClinVar:

NM_001378183.1(PIEZO2):c.8541A>G (p.Ile2847Met)

Gene: PIEZO2 (piezo type mechanosensitive ion channel component 2; minus strand). Cytogenetic location: 18p11.22.
Variant type: single nucleotide variant.
Coding change: c.8541A>G on transcript NM_001378183.1 (MANE Select); coding-DNA position 8541, A replaced by G.
Protein change: p.Ile2847Met; replaces isoleucine 2847 with methionine.
Molecular consequence: missense variant.
Genome position (GRCh38, 1-based): chr18:10,671,584, T>C on the plus strand (A>G on the coding strand, the complement: PIEZO2 is on the minus strand). VCF-style: chr18-10671584-T-C. GRCh37 (hg19) VCF-style: chr18-10671581-T-C.
Other names: c.8277A>G, p.Ile2759Met (NM_001410871.1); c.8202A>G, p.Ile2734Met (NM_022068.4); short protein forms I2734M, I2759M, I2847M.
Identifiers: ClinVar variation 3371052 (VCV003371052.1).
Genomic context (GRCh38, chr18:10,671,584, plus strand): 5'-GTTTCAATTTGTTTTTTCTCTAGTCCATTTGATCATTGTCTCTGGTGAGCGATATAGGAA[T>C]ATTAATTTGGCATAGAGATCTTCTTCTAGCTCCAGTTCTCCTGTCTCTCGAACTAAAAAA-3'
Protein context (NP_001365112.1, residues 2837-2857): ELEEDLYAKL[Ile2847Met]FLYRSPETMI

ClinVar aggregate classification (germline): Uncertain significance (1 of 4 stars; one submission).

Submission:

GeneDx
Classification: Uncertain significance. Last evaluated: 2024-03-18. Review status: criteria provided, single submitter. Criteria: GeneDx Variant Classification Process June 2021. Collection method: clinical testing. Allele origin: germline. Affected: yes.
Comment: Not observed at significant frequency in large population cohorts (gnomAD); In silico analysis supports that this missense variant has a deleterious effect on protein structure/function; Has not been previously published as pathogenic or benign to our knowledge